The following is an entry in ClinVar:

ClinVar aggregate classification (germline): Uncertain significance (1 of 4 stars; one submission).

Conditions:
Werner syndrome (WRN). Identifiers: Orphanet 902, MedGen C0043119, MONDO:0010196, OMIM 277700.

Allele frequency attached by ClinVar (database versions not stated): gnomAD exomes below 0.00001.
gnomAD v4.1: 1 of 1,613,528 alleles (0.000062%); highest among the groups gnomAD compares: Non-Finnish European, 0.000085%; no homozygotes.

Submission:

Labcorp Genetics (formerly Invitae), Labcorp
Classification: Uncertain significance for Werner syndrome. Last evaluated: 2022-06-14. Review status: criteria provided, single submitter. Criteria: Invitae Variant Classification Sherloc (09022015). Collection method: clinical testing. Allele origin: germline.
Comment: This sequence change replaces glycine, which is neutral and non-polar, with glutamic acid, which is acidic and polar, at codon 123 of the WRN protein (p.Gly123Glu). This variant is not present in population databases (gnomAD no frequency). This variant has not been reported in the literature in individuals affected with WRN-related conditions. Algorithms developed to predict the effect of missense changes on protein structure and function are either unavailable or do not agree on the potential impact of this missense change (SIFT: "Not Available"; PolyPhen-2: "Probably Damaging"; Align-GVGD: "Not Available"). In summary, the available evidence is currently insufficient to determine the role of this variant in disease. Therefore, it has been classified as a Variant of Uncertain Significance.

NM_000553.6(WRN):c.368G>A (p.Gly123Glu)

Gene: WRN (WRN RecQ like helicase; plus strand). Cytogenetic location: 8p12.
Variant type: single nucleotide variant.
Coding change: c.368G>A on transcript NM_000553.6 (MANE Select); coding-DNA position 368, G replaced by A.
Protein change: p.Gly123Glu; replaces glycine 123 with glutamic acid.
Molecular consequence: missense variant.
Genome position (GRCh38, 1-based): chr8:31,064,927, G>A. VCF-style: chr8-31064927-G-A. GRCh37 (hg19) VCF-style: chr8-30922443-G-A.
Other names: short protein forms G123E.
Identifiers: ClinVar variation 1986715 (VCV001986715.1), dbSNP rs1563329858, ClinGen allele CA370914584.